The following is an entry in ClinVar:

ClinVar aggregate classification (germline): Likely benign. Review status: criteria provided, multiple submitters, no conflicts (2 of 4 stars). 2 submissions from 2 submitters: Likely benign (2). Last evaluated 2025-01-31.

Conditions:
PCARE-related disorder. Also called: PCARE-related condition.

Allele frequency attached by ClinVar (database versions not stated): gnomAD exomes below 0.00001; TOPMed below 0.00001.
gnomAD v4.1: 10 of 1,613,378 alleles (0.00062%); highest among the groups gnomAD compares: African/African-American, 0.004%; no homozygotes.

Submissions (2):

PreventionGenetics, part of Exact Sciences
Classification: Likely benign for PCARE-related condition. Last evaluated: 2025-01-31. Review status: criteria provided, single submitter. Criteria: ACMG Guidelines, 2015. Collection method: clinical testing. Allele origin: germline.
Comment: This variant is classified as likely benign based on ACMG/AMP sequence variant interpretation guidelines (Richards et al. 2015 PMID: 25741868, with internal and published modifications).

Labcorp Genetics (formerly Invitae), Labcorp
Classification: Likely benign. Last evaluated: 2023-08-17. Review status: criteria provided, single submitter. Criteria: Invitae Variant Classification Sherloc (09022015). Collection method: clinical testing. Allele origin: germline.

NM_001029883.3(PCARE):c.2997A>G (p.Thr999=)

Gene: PCARE (photoreceptor cilium actin regulator; minus strand). Cytogenetic location: 2p23.2.
Variant type: single nucleotide variant.
Coding change: c.2997A>G on transcript NM_001029883.3 (MANE Select); coding-DNA position 2997, A replaced by G.
Protein change: p.Thr999=; no amino-acid change (threonine 999 retained).
Molecular consequence: synonymous variant.
Genome position (GRCh38, 1-based): chr2:29,071,265, T>C on the plus strand (A>G on the coding strand, the complement: PCARE is on the minus strand). VCF-style: chr2-29071265-T-C. GRCh37 (hg19) VCF-style: chr2-29294131-T-C.
Other names: c.2997A>G (NM_001029883.2).
Identifiers: ClinVar variation 2414260 (VCV002414260.8), dbSNP rs530507308, ClinGen allele CA1592056.